The following is an entry in ClinVar:

NM_024876.4(COQ8B):c.1324G>A (p.Val442Met)

Gene: COQ8B (coenzyme Q8B; minus strand). Cytogenetic location: 19q13.2.
Variant type: single nucleotide variant.
Coding change: c.1324G>A on transcript NM_024876.4 (MANE Select); coding-DNA position 1324, G replaced by A.
Protein change: p.Val442Met; replaces valine 442 with methionine.
Molecular consequence: missense variant.
Genome position (GRCh38, 1-based): chr19:40,692,346, C>T on the plus strand (G>A on the coding strand, the complement: COQ8B is on the minus strand). VCF-style: chr19-40692346-C-T. GRCh37 (hg19) VCF-style: chr19-41198251-C-T.
Other names: c.1201G>A, p.Val401Met (NM_001142555.3); short protein forms V401M, V442M.
Identifiers: ClinVar variation 3253467 (VCV003253467.5), dbSNP rs763929551.

ClinVar aggregate classification (germline): Conflicting classifications of pathogenicity. Review status: criteria provided, conflicting classifications (1 of 4 stars). 3 submissions from 3 submitters: Likely pathogenic (1); Uncertain significance (2). Last evaluated 2025-11-19.

Conditions:
Retinitis pigmentosa (RP). Identifiers: Orphanet 791, MedGen C0035334, MeSH D012174, MONDO:0019200, OMIM 268000. Inheritance: Autosomal dominant, autosomal recessive and X linked inheritance.

Allele frequency attached by ClinVar (database versions not stated): gnomAD exomes 0.00001; ExAC 0.00001; gnomAD 0.00006; TOPMed 0.00009.
gnomAD v4.1: 17 of 1,613,504 alleles (0.0011%); highest among the groups gnomAD compares: African/African-American, 0.021%; no homozygotes.

Submissions (3):

Dasa
Classification: Uncertain significance. Last evaluated: 2025-11-19. Review status: criteria provided, single submitter. Criteria: DASA Assertion Criteria. Collection method: clinical testing. Allele origin: germline.
Comment: NM_024876.4(COQ8B):c.1324G>A (p.Val442Met) is a missense variant that results in the substitution of valine with methionine. This variant has been reported in individuals with COQ8B-related disorders (PMID: 39226897). Functional evidence supports an impact on the gene or gene product (PMID: 39226897). Also, this variant is rare in population databases. Computational prediction algorithms are consistent with a deleterious effect. The currently available literature and clinical evidence are not sufficient to establish a definitive association between this variant and the reported condition. Therefore, this variant is classified as a variant of uncertain significance.

Ophthalmic Genetics Group, Institute of Molecular and Clinical Ophthalmology Basel
Classification: Likely pathogenic for Retinitis pigmentosa. Last evaluated: 2024-07-12. Review status: criteria provided, single submitter. Criteria: ACMG Guidelines, 2015. Collection method: research, in vitro. Allele origin: inherited, not applicable. Inheritance: Autosomal recessive inheritance. Affected: yes. Observed: 1 compound heterozygote.
Comment: p.(Val442Met) affects an amino acid that is extremely conserved, and it is present heterozygously in only two control individuals from the gnomAD dataset (allele frequency = 8.1 x 10-6). Different in silico tools provided a very high pathogenicity value for this change.

GeneDx
Classification: Uncertain significance. Last evaluated: 2024-01-29. Review status: criteria provided, single submitter. Criteria: GeneDx Variant Classification Process June 2021. Collection method: clinical testing. Allele origin: germline. Affected: yes.
Comment: Not observed at significant frequency in large population cohorts (gnomAD); In silico analysis supports that this missense variant has a deleterious effect on protein structure/function; Has not been previously published as pathogenic or benign to our knowledge

Literature cited by the submitters: PubMed 39226897 (cited by Dasa and Ophthalmic Genetics Group, Institute of Molecular and Clinical Ophthalmology Basel).